The following is an entry in ClinVar:

NM_001378328.1(CELSR1):c.6711G>A (p.Arg2237=)

Genes: CELSR1 (cadherin EGF LAG seven-pass G-type receptor 1; minus strand), LOC126863169 (BRD4-independent group 4 enhancer GRCh37_chr22:46782038-46783237; plus strand). Cytogenetic location: 22q13.31.
Variant type: single nucleotide variant.
Coding change: c.6711G>A on transcript NM_001378328.1 (MANE Select); coding-DNA position 6711, G replaced by A.
Protein change: p.Arg2237=; no amino-acid change (arginine 2237 retained).
Molecular consequence: synonymous variant.
Genome position (GRCh38, 1-based): chr22:46,386,430, C>T on the plus strand (G>A on the coding strand, the complement: CELSR1 is on the minus strand). VCF-style: chr22-46386430-C-T. GRCh37 (hg19) VCF-style: chr22-46782327-C-T.
Other names: c.6711G>A, p.Arg2237= (NM_014246.4).
Identifiers: ClinVar variation 3045607 (VCV003045607.3), dbSNP rs141682815, ClinGen allele CA10293664.

ClinVar aggregate classification (germline): Likely benign. Review status: criteria provided, single submitter (1 of 4 stars). 2 submissions from 2 submitters: Likely benign (1). 1 of the submissions does not count toward it. Last evaluated 2024-02-26.

Conditions:
CELSR1-related disorder. Also called: CELSR1-related condition.

Allele frequency attached by ClinVar (database versions not stated): ExAC 0.00067; gnomAD 0.00149; 1000 Genomes Project 30x 0.00156; TOPMed 0.00156; 1000 Genomes Project 0.00160; ESP Exome Variant Server 0.00162.
gnomAD v4.1: 447 of 1,590,932 alleles (0.028%); highest among the groups gnomAD compares: African/African-American, 0.52%; no homozygotes.

Submissions (2):

Blueprint Genetics
Classification: Likely benign. Last evaluated: 2024-02-26. Review status: criteria provided, single submitter. Criteria: ACMG Guidelines, 2015. Collection method: clinical testing. Allele origin: germline.

PreventionGenetics, part of Exact Sciences
Classification: Likely benign for CELSR1-related condition. Last evaluated: 2019-11-12. Review status: no assertion criteria provided. Collection method: clinical testing. Allele origin: germline. Not counted in ClinVar's aggregate classification.
Comment: This variant is classified as likely benign based on ACMG/AMP sequence variant interpretation guidelines (Richards et al. 2015 PMID: 25741868, with internal and published modifications).